The following is an entry in ClinVar:

NM_002381.5(MATN3):c.909G>A (p.Thr303=)

Genes: MATN3 (matrilin 3; minus strand), WDR35-DT (WDR35 divergent transcript; plus strand). Cytogenetic location: 2p24.1.
Variant type: single nucleotide variant.
Coding change: c.909G>A on transcript NM_002381.5 (MANE Select); coding-DNA position 909, G replaced by A.
Protein change: p.Thr303=; no amino-acid change (threonine 303 retained).
Molecular consequence: synonymous variant.
Genome position (GRCh38, 1-based): chr2:20,003,168, C>T on the plus strand (G>A on the coding strand, the complement: MATN3 is on the minus strand). VCF-style: chr2-20003168-C-T. GRCh37 (hg19) VCF-style: chr2-20202929-C-T.
Identifiers: ClinVar variation 258649 (VCV000258649.18), dbSNP rs28452699, ClinGen allele CA1543864.
Genomic context (GRCh38, chr2:20,003,168, plus strand): 5'-AGCATAGGTTCCCAAGTATTTGATTCAGTCACGGCCCCCTACACAGGCCTCACCTGAACA[C>T]GTTTTCTTGTCGGCATTCAAGGTGTATCCTTGGCTACACTCACAGTGGTGCTTGCCTTCC-3'
Protein context (NP_002372.1, residues 293-313): QGYTLNADKK[Thr303=]CSALDRCALN

ClinVar aggregate classification (germline): Benign. Review status: criteria provided, multiple submitters, no conflicts (2 of 4 stars). 6 submissions from 6 submitters: Benign (6). Last evaluated 2026-05-08.

Conditions:
Multiple epiphyseal dysplasia type 5 (EDM5). Also called: MATN3-Related Multiple Epiphyseal Dysplasia; Microepiphyseal dysplasia, bilateral hereditary. Identifiers: Orphanet 93311, MedGen C1846843, MONDO:0011765, OMIM 607078.

Allele frequency attached by ClinVar (database versions not stated): 1000 Genomes Project 0.14597; TOPMed 0.19278; gnomAD exomes 0.20405; ExAC 0.20254; ESP Exome Variant Server 0.19141; gnomAD 0.20065 and 0.19817; 1000 Genomes Project 30x 0.14600.
gnomAD v4.1: 344,425 of 1,613,434 alleles (21%); highest among the groups gnomAD compares: Admixed American, 23%; 38,078 homozygotes.

Submissions (6):

Women's Health and Genetics/Laboratory Corporation of America, LabCorp
Classification: Benign. Last evaluated: 2026-05-08. Review status: criteria provided, single submitter. Criteria: LabCorp Variant Classification Summary - May 2015. Collection method: clinical testing. Allele origin: germline.

Labcorp Genetics (formerly Invitae), Labcorp
Classification: Benign. Last evaluated: 2026-02-04. Review status: criteria provided, single submitter. Criteria: Invitae Variant Classification Sherloc (09022015). Collection method: clinical testing. Allele origin: germline.

GeneDx
Classification: Benign. Last evaluated: 2021-05-04. Review status: criteria provided, single submitter. Criteria: GeneDx Variant Classification Process June 2021. Collection method: clinical testing. Allele origin: germline. Affected: yes.

Illumina Laboratory Services, Illumina
Classification: Benign for Multiple epiphyseal dysplasia type 5. Last evaluated: 2018-01-13. Review status: criteria provided, single submitter. Criteria: ICSL Variant Classification Criteria 13 December 2019. Collection method: clinical testing. Allele origin: germline.
Comment: This variant was observed in the ICSL laboratory as part of a predisposition screen in an ostensibly healthy population. It had not been previously curated by ICSL or reported in the Human Gene Mutation Database (HGMD: prior to June 1st, 2018), and was therefore a candidate for classification through an automated scoring system. Utilizing variant allele frequency, disease prevalence and penetrance estimates, and inheritance mode, an automated score was calculated to assess if this variant is too frequent to cause the disease. Based on the score and internal cut-off values, a variant classified as benign is not then subjected to further curation. The score for this variant resulted in a classification of benign for this disease.

Breakthrough Genomics
Classification: Benign. Review status: criteria provided, single submitter. Criteria: ACMG Guidelines, 2015. Collection method: not provided. Allele origin: germline. Inheritance: Other. Affected: yes.

PreventionGenetics, part of Exact Sciences
Classification: Benign. Review status: criteria provided, single submitter. Criteria: ACMG Guidelines, 2015. Collection method: clinical testing. Allele origin: germline.